The following is an entry in ClinVar:

ClinVar aggregate classification (germline): Uncertain significance (1 of 4 stars; one submission).

Conditions:
Dilated cardiomyopathy 1KK (CMD1KK). Identifiers: Orphanet 154, Orphanet 75249, MedGen C3714995, MONDO:0014100, OMIM 615248.

Submission:

Labcorp Genetics (formerly Invitae), Labcorp
Classification: Uncertain significance for Dilated cardiomyopathy 1KK. Last evaluated: 2022-06-18. Review status: criteria provided, single submitter. Criteria: Invitae Variant Classification Sherloc (09022015). Collection method: clinical testing. Allele origin: germline.
Comment: This variant is not present in population databases (gnomAD no frequency). This sequence change replaces alanine, which is neutral and non-polar, with aspartic acid, which is acidic and polar, at codon 1241 of the MYPN protein (p.Ala1241Asp). In summary, the available evidence is currently insufficient to determine the role of this variant in disease. Therefore, it has been classified as a Variant of Uncertain Significance. Algorithms developed to predict the effect of missense changes on protein structure and function are either unavailable or do not agree on the potential impact of this missense change (SIFT: "Deleterious"; PolyPhen-2: "Probably Damaging"; Align-GVGD: "Class C0"). This variant has not been reported in the literature in individuals affected with MYPN-related conditions.

NM_032578.4(MYPN):c.3722C>A (p.Ala1241Asp)

Gene: MYPN (myopalladin; plus strand). Cytogenetic location: 10q21.3.
Variant type: single nucleotide variant.
Coding change: c.3722C>A on transcript NM_032578.4 (MANE Select); coding-DNA position 3722, C replaced by A.
Protein change: p.Ala1241Asp; replaces alanine 1241 with aspartic acid.
Molecular consequence: missense variant. On other transcripts: non-coding transcript variant (2).
Genome position (GRCh38, 1-based): chr10:68,206,832, C>A. VCF-style: chr10-68206832-C-A. GRCh37 (hg19) VCF-style: chr10-69966589-C-A.
Other names: c.3722C>A, p.Ala1241Asp (NM_001256267.2); c.2840C>A, p.Ala947Asp (NM_001256268.2); short protein forms A1241D, A947D.
Identifiers: ClinVar variation 2100526 (VCV002100526.4), dbSNP rs2496023076, ClinGen allele CA376828466.
Genomic context (GRCh38, chr10:68,206,832, plus strand): 5'-TGCACCAGGACACAACAGGGTATGCCTGCCTTCTCATTCAGCCAGCCAAGAAATCAGACG[C>A]TGGATGGTACACGTTGTCAGCCAAGAATGAAGCCGGCATCGTGTCGTGCACTGCCAGGCT-3'
Protein context (NP_115967.2, residues 1231-1251): LLIQPAKKSD[Ala1241Asp]GWYTLSAKNE